The following is an entry in ClinVar:

NM_006348.5(COG5):c.2296-7C>G

Gene: COG5 (component of oligomeric golgi complex 5; minus strand). Cytogenetic location: 7q22.3.
Variant type: single nucleotide variant.
Coding change: c.2296-7C>G on transcript NM_006348.5 (MANE Select); 7 bases into the intron before coding-DNA position 2296, C replaced by G.
Molecular consequence: intron variant.
Genome position (GRCh38, 1-based): chr7:107,210,612, G>C on the plus strand (C>G on the coding strand, the complement: COG5 is on the minus strand). VCF-style: chr7-107210612-G-C. GRCh37 (hg19) VCF-style: chr7-106851057-G-C.
Other names: c.1582-7C>G (NM_001379516.1); c.1726-7C>G (NM_001379515.1); c.2134-7C>G (NM_001379511.1); c.2122-7C>G (NM_001379512.1); c.2233-7C>G (NM_181733.4); c.1981-7C>G (NM_001379514.1); c.2169-6982C>G (NM_001379513.1); c.2296-7C>G (NM_001161520.2).
Identifiers: ClinVar variation 1440687 (VCV001440687.3), dbSNP rs778380856, ClinGen allele CA831131378.
Genomic context (GRCh38, chr7:107,210,612, plus strand): 5'-AGATGGATGGTCATCCAGCCACTGAGAGAAGCGTGTGTGGGACCACTCTGCCCTCTGCAG[G>C]GTTGAAACACAATTAGAGAGAGTGCATACGCATTCTTTAGTAAATGGCAGCAAGTGCTGG-3'

ClinVar aggregate classification (germline): Uncertain significance (1 of 4 stars; one submission).

Conditions:
COG5-congenital disorder of glycosylation. Also called: CDG IIi; CONGENITAL DISORDER OF GLYCOSYLATION, TYPE IIi; COG5-CDG. Identifiers: Orphanet 263487, MedGen C3150876, MONDO:0013325, OMIM 613612.

gnomAD v4.1: 23 of 1,595,046 alleles (0.0014%); highest among the groups gnomAD compares: Non-Finnish European, 0.0017%; no homozygotes.

Submission:

Labcorp Genetics (formerly Invitae), Labcorp
Classification: Uncertain significance for COG5-congenital disorder of glycosylation. Last evaluated: 2022-07-29. Review status: criteria provided, single submitter. Criteria: Invitae Variant Classification Sherloc (09022015). Collection method: clinical testing. Allele origin: germline.
Comment: This sequence change falls in intron 20 of the COG5 gene. It does not directly change the encoded amino acid sequence of the COG5 protein. This variant is not present in population databases (gnomAD no frequency). This variant has not been reported in the literature in individuals affected with COG5-related conditions. ClinVar contains an entry for this variant (Variation ID: 1440687). Algorithms developed to predict the effect of sequence changes on RNA splicing suggest that this variant may disrupt the consensus splice site. In summary, the available evidence is currently insufficient to determine the role of this variant in disease. Therefore, it has been classified as a Variant of Uncertain Significance.